The following is an entry in ClinVar:

NM_001005361.3(DNM2):c.2434C>T (p.Arg812Trp)

Gene: DNM2 (dynamin 2; plus strand). Cytogenetic location: 19p13.2.
Variant type: single nucleotide variant.
Coding change: c.2434C>T on transcript NM_001005361.3 (MANE Select); coding-DNA position 2434, C replaced by T.
Protein change: p.Arg812Trp; replaces arginine 812 with tryptophan.
Molecular consequence: missense variant.
Genome position (GRCh38, 1-based): chr19:10,830,269, C>T. VCF-style: chr19-10830269-C-T. GRCh37 (hg19) VCF-style: chr19-10940945-C-T.
Other names: c.2434C>T (NM_001005360.2); c.2434C>T, p.Arg812Trp (NM_001005360.3, NM_001190716.2); c.2422C>T, p.Arg808Trp (NM_001005362.3, NM_004945.4); short protein forms R808W, R812W.
Identifiers: ClinVar variation 1348984 (VCV001348984.9), dbSNP rs2073292486, ClinGen allele CA404044021.

ClinVar aggregate classification (germline): Uncertain significance. Review status: criteria provided, multiple submitters, no conflicts (2 of 4 stars). 4 submissions from 4 submitters: Uncertain significance (4). Last evaluated 2024-05-31.

Conditions:
Charcot-Marie-Tooth disease dominant intermediate B (CMTDIB). Also called: Charcot-Marie-Tooth disease dominant intermediate 1; CMT DI1; Charcot-Marie-Tooth disease dominant intermediate I; CHARCOT-MARIE-TOOTH NEUROPATHY, DOMINANT INTERMEDIATE B. Identifiers: Orphanet 100044, Orphanet 228179, MedGen C1847902, MONDO:0011674, OMIM 606482.

Allele frequency attached by ClinVar (database versions not stated): gnomAD 0.00001; gnomAD exomes 0.00001; TOPMed 0.00001.
gnomAD v4.1: 11 of 1,613,876 alleles (0.00068%); highest among the groups gnomAD compares: Non-Finnish European, 0.00085%; no homozygotes.

Submissions (4):

Women's Health and Genetics/Laboratory Corporation of America, LabCorp
Classification: Uncertain significance. Last evaluated: 2024-05-31. Review status: criteria provided, single submitter. Criteria: LabCorp Variant Classification Summary - May 2015. Collection method: clinical testing. Allele origin: germline.
Comment: Variant summary: DNM2 c.2434C>T (p.Arg812Trp) results in a non-conservative amino acid change in the encoded protein sequence. Four of five in-silico tools predict a damaging effect of the variant on protein function. The variant was absent in 251100 control chromosomes. The available data on variant occurrences in the general population are insufficient to allow any conclusion about variant significance. To our knowledge, no occurrence of c.2434C>T in individuals affected with Autosomal Dominant Centronuclear Myopathy and no experimental evidence demonstrating its impact on protein function have been reported. ClinVar contains an entry for this variant (Variation ID: 1348984). Based on the evidence outlined above, the variant was classified as uncertain significance.

Labcorp Genetics (formerly Invitae), Labcorp
Classification: Uncertain significance for Charcot-Marie-Tooth disease dominant intermediate B. Last evaluated: 2023-06-03. Review status: criteria provided, single submitter. Criteria: Invitae Variant Classification Sherloc (09022015). Collection method: clinical testing. Allele origin: germline.
Comment: Advanced modeling of protein sequence and biophysical properties (such as structural, functional, and spatial information, amino acid conservation, physicochemical variation, residue mobility, and thermodynamic stability) has been performed at Invitae for this missense variant, however the output from this modeling did not meet the statistical confidence thresholds required to predict the impact of this variant on DNM2 protein function. ClinVar contains an entry for this variant (Variation ID: 1348984). This variant has not been reported in the literature in individuals affected with DNM2-related conditions. This variant is not present in population databases (gnomAD no frequency). This sequence change replaces arginine, which is basic and polar, with tryptophan, which is neutral and slightly polar, at codon 812 of the DNM2 protein (p.Arg812Trp). In summary, the available evidence is currently insufficient to determine the role of this variant in disease. Therefore, it has been classified as a Variant of Uncertain Significance.

Revvity Omics, Revvity
Classification: Uncertain significance. Last evaluated: 2023-05-03. Review status: criteria provided, single submitter. Criteria: ACMG Guidelines, 2015. Collection method: clinical testing. Allele origin: germline.

GeneDx
Classification: Uncertain significance. Last evaluated: 2022-12-15. Review status: criteria provided, single submitter. Criteria: GeneDx Variant Classification Process June 2021. Collection method: clinical testing. Allele origin: germline. Affected: yes.
Comment: Not observed at significant frequency in large population cohorts (gnomAD); In silico analysis supports that this missense variant has a deleterious effect on protein structure/function; Has not been previously published as pathogenic or benign to our knowledge; This variant is associated with the following publications: (PMID: 16227997)